The following is an entry in ClinVar:

NM_020822.3(KCNT1):c.2523-7C>T

Gene: KCNT1 (potassium sodium-activated channel subfamily T member 1; plus strand). Cytogenetic location: 9q34.3.
Variant type: single nucleotide variant.
Coding change: c.2523-7C>T on transcript NM_020822.3 (MANE Select); 7 bases into the intron before coding-DNA position 2523, C replaced by T.
Molecular consequence: intron variant.
Genome position (GRCh38, 1-based): chr9:135,778,417, C>T. VCF-style: chr9-135778417-C-T. GRCh37 (hg19) VCF-style: chr9-138670263-C-T.
Other names: c.2388-7C>T (NM_001272003.2).
Identifiers: ClinVar variation 510935 (VCV000510935.3), dbSNP rs1287735480, ClinGen allele CA658797375.
Genomic context (GRCh38, chr9:135,778,417, plus strand): 5'-CCCACTGGGCCTGAGGAGGGCAGGCCTTGAAGCAGGGTGGGCCCCTCCAGGACCGCTGTC[C>T]CCACAGGCCCGACCACCACTTCCTGGAAGCCATCTGCTGCTTCCCCATGGTCTACTACAT-3'

ClinVar aggregate classification (germline): Likely benign. Review status: criteria provided, multiple submitters, no conflicts (2 of 4 stars). 2 submissions from 2 submitters: Likely benign (2). Last evaluated 2024-02-18.

Conditions:
Autosomal dominant nocturnal frontal lobe epilepsy 5. Also called: Epilepsy, nocturnal frontal lobe, 5; CILIARY DYSKINESIA, PRIMARY, 28, WITHOUT SITUS INVERSUS; CILIARY DYSKINESIA, PRIMARY, 28, WITH SITUS INVERSUS; KCNT1-Related Epilepsy. Identifiers: Orphanet 98784, MedGen C3554306, MONDO:0014002, OMIM 615005.
Developmental and epileptic encephalopathy, 14 (DEE14). Also called: Early infantile epileptic encephalopathy 14. Identifiers: Orphanet 293181, MedGen C3554195, MONDO:0013989, OMIM 614959.

Allele frequency attached by ClinVar (database versions not stated): TOPMed below 0.00001.

Submissions (2):

Labcorp Genetics (formerly Invitae), Labcorp
Classification: Likely benign for Autosomal dominant nocturnal frontal lobe epilepsy 5; Developmental and epileptic encephalopathy, 14. Last evaluated: 2024-02-18. Review status: criteria provided, single submitter. Criteria: Invitae Variant Classification Sherloc (09022015). Collection method: clinical testing. Allele origin: germline.

GeneDx
Classification: Likely benign. Last evaluated: 2017-07-24. Review status: criteria provided, single submitter. Criteria: GeneDx Variant Classification (06012015). Collection method: clinical testing. Allele origin: germline. Affected: yes.
Comment: This variant is considered likely benign or benign based on one or more of the following criteria: it is a conservative change, it occurs at a poorly conserved position in the protein, it is predicted to be benign by multiple in silico algorithms, and/or has population frequency not consistent with disease.